The following is an entry in ClinVar:

NM_172225.2(DMBX1):c.234C>T (p.Leu78=)

Gene: DMBX1 (diencephalon/mesencephalon homeobox 1; plus strand). Cytogenetic location: 1p33.
Variant type: single nucleotide variant.
Coding change: c.234C>T on transcript NM_172225.2 (MANE Select); coding-DNA position 234, C replaced by T.
Protein change: p.Leu78=; no amino-acid change (leucine 78 retained).
Molecular consequence: synonymous variant.
Genome position (GRCh38, 1-based): chr1:46,510,555, C>T. VCF-style: chr1-46510555-C-T. GRCh37 (hg19) VCF-style: chr1-46976227-C-T.
Other names: c.234C>T, p.Leu78= (NM_001387775.1); c.249C>T, p.Leu83= (NM_001387776.1, NM_147192.4).
Identifiers: ClinVar variation 2638799 (VCV002638799.24), dbSNP rs138324077, ClinGen allele CA836628.
Genomic context (GRCh38, chr1:46,510,555, plus strand): 5'-TTATGGTTCCCAGCACCGCAAACAACGTCGCAGCCGCACAGCGTTCACGGCTCAGCAGCT[C>T]GAGGCCCTGGAAAAGACCTTCCAGAAGACTCACTACCCAGATGTGGTGATGCGTGAGAGG-3'
Protein context (NP_757379.1, residues 68-88): RSRTAFTAQQ[Leu78=]EALEKTFQKT

ClinVar aggregate classification (germline): Likely benign (1 of 4 stars; one submission).

Allele frequency attached by ClinVar (database versions not stated): ESP Exome Variant Server 0.00008.
gnomAD v4.1: 110 of 1,613,990 alleles (0.0068%); highest among the groups gnomAD compares: Middle Eastern, 0.033%; no homozygotes.

Submission:

CeGaT Center for Human Genetics Tuebingen
Classification: Likely benign. Last evaluated: 2022-10-01. Review status: criteria provided, single submitter. Criteria: CeGaT Center For Human Genetics Tuebingen Variant Classification Criteria Version 2. Collection method: clinical testing. Allele origin: germline. Affected: yes. Observed: 1 variant allele.
Comment: DMBX1: BP4, BP7